The following is an entry in ClinVar:

NM_032043.3(BRIP1):c.2679T>A (p.Asn893Lys)

Gene: BRIP1 (BRCA1 interacting DNA helicase 1; minus strand). Cytogenetic location: 17q23.2.
Variant type: single nucleotide variant.
Coding change: c.2679T>A on transcript NM_032043.3 (MANE Select); coding-DNA position 2679, T replaced by A.
Protein change: p.Asn893Lys; replaces asparagine 893 with lysine.
Molecular consequence: missense variant.
Genome position (GRCh38, 1-based): chr17:61,686,062, A>T on the plus strand (T>A on the coding strand, the complement: BRIP1 is on the minus strand). VCF-style: chr17-61686062-A-T. GRCh37 (hg19) VCF-style: chr17-59763423-A-T.
Other names: short protein forms N893K.
Identifiers: ClinVar variation 3825706 (VCV003825706.1).

ClinVar aggregate classification (germline): Uncertain significance (1 of 4 stars; one submission).

Conditions:
Hereditary cancer-predisposing syndrome. Also called: Hereditary neoplastic syndrome; Neoplastic Syndromes, Hereditary; Tumor predisposition; Hereditary Cancer Syndrome. Identifiers: Orphanet 140162, MedGen C0027672, MeSH D009386, MONDO:0015356.

gnomAD v4.1: 1 of 1,614,030 alleles (0.000062%); highest among the groups gnomAD compares: South Asian, 0.0011%; no homozygotes.

Submission:

Ambry Genetics
Classification: Uncertain significance for Hereditary cancer-predisposing syndrome. Last evaluated: 2025-03-03. Review status: criteria provided, single submitter. Criteria: Ambry Variant Classification Scheme 2023. Collection method: clinical testing. Allele origin: germline.
Comment: The p.N893K variant (also known as c.2679T>A), located in coding exon 18 of the BRIP1 gene, results from a T to A substitution at nucleotide position 2679. The asparagine at codon 893 is replaced by lysine, an amino acid with similar properties. This amino acid position is conserved. In addition, this alteration is predicted to be tolerated by in silico analysis. Based on the available evidence, the clinical significance of this variant remains unclear.